The following is an entry in ClinVar:

ClinVar aggregate classification (germline): Pathogenic (1 of 4 stars; one submission).

Conditions:
Angelman syndrome-like. Identifiers: MedGen CN128785.
Developmental and epileptic encephalopathy, 2 (DEE2). Also called: INFANTILE SPASM SYNDROME, X-LINKED 2; CDKL5 deficiency disorder. Identifiers: Orphanet 1934, Orphanet 3451, Orphanet 505652, MedGen C4750718, MONDO:0010396, OMIM 300672.

Submission:

Labcorp Genetics (formerly Invitae), Labcorp
Classification: Pathogenic for Developmental and epileptic encephalopathy, 2; Angelman syndrome-like. Last evaluated: 2025-09-25. Review status: criteria provided, single submitter. Criteria: Invitae Variant Classification Sherloc (09022015). Collection method: clinical testing. Allele origin: germline.
Comment: This sequence change creates a premature translational stop signal (p.Asn400Thrfs*93) in the CDKL5 gene. It is expected to result in an absent or disrupted protein product. Loss-of-function variants in CDKL5 are known to be pathogenic (PMID: 22872100). This variant is not present in population databases (gnomAD no frequency). This variant has not been reported in the literature in individuals affected with CDKL5-related conditions. For these reasons, this variant has been classified as Pathogenic.

Literature cited by the submitters: PubMed 22872100.

NM_001323289.2(CDKL5):c.1199del (p.Asn400fs)

Gene: CDKL5 (cyclin dependent kinase like 5; plus strand). Cytogenetic location: Xp22.13.
Variant type: Deletion.
Coding change: c.1199del on transcript NM_001323289.2 (MANE Select); coding-DNA position 1199, one base deleted (A; older notation c.1199delA).
Protein change: p.Asn400fs; shifts the reading frame from asparagine 400.
Molecular consequence: frameshift variant.
Genome position (GRCh38, 1-based): chrX:18,604,123, A deleted; the last of 2 consecutive A bases (chrX:18,604,122-18,604,123); deleting either gives the same sequence. VCF-style (leftmost placement, unchanged base first): chrX-18604121-CA-C. GRCh37 (hg19) VCF-style: chrX-18622241-CA-C.
Other names: c.1199del, p.Asn400fs (NM_001037343.2, NM_003159.3); short protein forms N400fs.
Identifiers: ClinVar variation 4785419 (VCV004785419.1).